The following is an entry in ClinVar:

NM_001046.3(SLC12A2):c.1741C>T (p.Pro581Ser)

Gene: SLC12A2 (solute carrier family 12 member 2; plus strand). Cytogenetic location: 5q23.3.
Variant type: single nucleotide variant.
Coding change: c.1741C>T on transcript NM_001046.3 (MANE Select); coding-DNA position 1741, C replaced by T.
Protein change: p.Pro581Ser; replaces proline 581 with serine.
Molecular consequence: missense variant. On other transcripts: non-coding transcript variant (1).
Genome position (GRCh38, 1-based): chr5:128,141,949, C>T. VCF-style: chr5-128141949-C-T. GRCh37 (hg19) VCF-style: chr5-127477641-C-T.
Other names: c.1741C>T, p.Pro581Ser (NM_001256461.2); short protein forms P581S.
Identifiers: ClinVar variation 1371142 (VCV001371142.6), dbSNP rs758368968, ClinGen allele CA3393188.

ClinVar aggregate classification (germline): Uncertain significance. Review status: criteria provided, multiple submitters, no conflicts (2 of 4 stars). 2 submissions from 2 submitters: Uncertain significance (2). Last evaluated 2023-08-29.

Conditions:
Delpire-McNeill syndrome. Also called: SLC12A2-related autosomal dominant infantile-developmental delay-intellectual disability-sensorineural deafness syndrome. Identifiers: Orphanet 633024, MedGen C5436771, MONDO:0033667, OMIM 619083.

Allele frequency attached by ClinVar (database versions not stated): gnomAD exomes below 0.00001; ExAC 0.00001.
gnomAD v4.1: 2 of 1,613,904 alleles (0.00012%); highest among the groups gnomAD compares: South Asian, 0.0011%; no homozygotes.

Submissions (2):

Clinical Genomics Laboratory, Washington University in St. Louis
Classification: Uncertain significance for Delpire-McNeill syndrome. Last evaluated: 2023-08-29. Review status: criteria provided, single submitter. Criteria: ACMG Guidelines, 2015. Collection method: clinical testing. Allele origin: germline.
Comment: The SLC12A2 c.1741C>T (p.Pro581Ser) variant, to our knowledge, has not been reported in the medical literature but has been reported in the ClinVar database as a germline variant of uncertain significance by one submitter. This variant is only observed on 1/251,230 alleles in the general population (gnomAD v.2.1.1), indicating it is not a common variant. This variant occurs in an extracellular domain and changes a non-polar proline to a polar serine, but computational predictors suggest that the variant does not impact SLC12A2 function. Due to limited information, and based on ACMG/AMP guidelines for variant interpretation (Richards S et al., PMID: 25741868), the clinical significance of this variant is uncertain at this time.

Labcorp Genetics (formerly Invitae), Labcorp
Classification: Uncertain significance. Last evaluated: 2022-01-13. Review status: criteria provided, single submitter. Criteria: Invitae Variant Classification Sherloc (09022015). Collection method: clinical testing. Allele origin: germline.
Comment: In summary, the available evidence is currently insufficient to determine the role of this variant in disease. Therefore, it has been classified as a Variant of Uncertain Significance. Advanced modeling of protein sequence and biophysical properties (such as structural, functional, and spatial information, amino acid conservation, physicochemical variation, residue mobility, and thermodynamic stability) performed at Invitae indicates that this missense variant is not expected to disrupt SLC12A2 protein function. This variant has not been reported in the literature in individuals affected with SLC12A2-related conditions. This variant is present in population databases (rs758368968, gnomAD 0.003%). This sequence change replaces proline, which is neutral and non-polar, with serine, which is neutral and polar, at codon 581 of the SLC12A2 protein (p.Pro581Ser).